The following is an entry in ClinVar:

ClinVar aggregate classification (germline): Uncertain significance (1 of 4 stars; one submission).

Conditions:
Combined immunodeficiency due to MALT1 deficiency. Also called: Immunodeficiency 12. Identifiers: Orphanet 397964, MedGen C3809583, MONDO:0014197, OMIM 615468.

Allele frequency attached by ClinVar (database versions not stated): gnomAD exomes below 0.00001.
gnomAD v4.1: 1 of 1,337,816 alleles (0.000075%); highest among the groups gnomAD compares: Non-Finnish European, 0.000098%; no homozygotes.

Submission:

Labcorp Genetics (formerly Invitae), Labcorp
Classification: Uncertain significance for Combined immunodeficiency due to MALT1 deficiency. Last evaluated: 2020-09-01. Review status: criteria provided, single submitter. Criteria: Invitae Variant Classification Sherloc (09022015). Collection method: clinical testing. Allele origin: germline.
Comment: In summary, the available evidence is currently insufficient to determine the role of this variant in disease. Therefore, it has been classified as a Variant of Uncertain Significance. Algorithms developed to predict the effect of missense changes on protein structure and function (SIFT, PolyPhen-2, Align-GVGD) all suggest that this variant is likely to be tolerated, but these predictions have not been confirmed by published functional studies and their clinical significance is uncertain. This variant has not been reported in the literature in individuals with MALT1-related conditions. This variant is not present in population databases (ExAC no frequency). This sequence change replaces isoleucine with valine at codon 127 of the MALT1 protein (p.Ile127Val). The isoleucine residue is moderately conserved and there is a small physicochemical difference between isoleucine and valine.

NM_006785.4(MALT1):c.379A>G (p.Ile127Val)

Gene: MALT1 (MALT1 paracaspase; plus strand). Cytogenetic location: 18q21.32.
Variant type: single nucleotide variant.
Coding change: c.379A>G on transcript NM_006785.4 (MANE Select); coding-DNA position 379, A replaced by G.
Protein change: p.Ile127Val; replaces isoleucine 127 with valine.
Molecular consequence: missense variant.
Genome position (GRCh38, 1-based): chr18:58,696,368, A>G. VCF-style: chr18-58696368-A-G. GRCh37 (hg19) VCF-style: chr18-56363600-A-G.
Other names: c.379A>G, p.Ile127Val (NM_173844.3); short protein forms I127V.
Identifiers: ClinVar variation 1047643 (VCV001047643.8), dbSNP rs2054588904, ClinGen allele CA402572414.